The following is an entry in ClinVar:

ClinVar aggregate classification (germline): Uncertain significance (1 of 4 stars; one submission).

Conditions:
Werner syndrome (WRN). Identifiers: Orphanet 902, MedGen C0043119, MONDO:0010196, OMIM 277700.

Submission:

Labcorp Genetics (formerly Invitae), Labcorp
Classification: Uncertain significance for Werner syndrome. Last evaluated: 2022-06-12. Review status: criteria provided, single submitter. Criteria: Invitae Variant Classification Sherloc (09022015). Collection method: clinical testing. Allele origin: germline.
Comment: In summary, the available evidence is currently insufficient to determine the role of this variant in disease. Therefore, it has been classified as a Variant of Uncertain Significance. Algorithms developed to predict the effect of missense changes on protein structure and function output the following: SIFT: "Not Available"; PolyPhen-2: "Possibly Damaging"; Align-GVGD: "Not Available". The glutamine amino acid residue is found in multiple mammalian species, which suggests that this missense change does not adversely affect protein function. This variant has not been reported in the literature in individuals affected with WRN-related conditions. This variant is not present in population databases (gnomAD no frequency). This sequence change replaces lysine, which is basic and polar, with glutamine, which is neutral and polar, at codon 898 of the WRN protein (p.Lys898Gln).

NM_000553.6(WRN):c.2692A>C (p.Lys898Gln)

Gene: WRN (WRN RecQ like helicase; plus strand). Cytogenetic location: 8p12.
Variant type: single nucleotide variant.
Coding change: c.2692A>C on transcript NM_000553.6 (MANE Select); coding-DNA position 2692, A replaced by C.
Protein change: p.Lys898Gln; replaces lysine 898 with glutamine.
Molecular consequence: missense variant.
Genome position (GRCh38, 1-based): chr8:31,124,583, A>C. VCF-style: chr8-31124583-A-C. GRCh37 (hg19) VCF-style: chr8-30982099-A-C.
Other names: short protein forms K898Q.
Identifiers: ClinVar variation 2005050 (VCV002005050.4), dbSNP rs2535994925, ClinGen allele CA370916893.